The following is an entry in ClinVar:

NM_001374828.1(ARID1B):c.1638_1647del (p.Ala547fs)

Gene: ARID1B (AT-rich interaction domain 1B; plus strand). Cytogenetic location: 6q25.3.
Variant type: Deletion.
Coding change: c.1638_1647del on transcript NM_001374828.1 (MANE Select); coding-DNA positions 1638 to 1647, 10 bases deleted (GGCGGGCGGC; older notation c.1638_1647delGGCGGGCGGC).
Protein change: p.Ala547fs; shifts the reading frame from alanine 547.
Molecular consequence: frameshift variant.
Genome position (GRCh38, 1-based): chr6:156,779,318-156,779,327, GGCGGGCGGC deleted; deleting any 10 consecutive bases within chr6:156,779,311-156,779,327 gives the same sequence; the c. name uses the placement nearest the transcript's 3' end. VCF-style (leftmost placement, unchanged base first): chr6-156779310-GGGGCGGCGGC-G. GRCh37 (hg19) VCF-style: chr6-157100444-GGGGCGGCGGC-G.
Other names: c.1389_1398delGGCGGGCGGC (NM_020732.3); c.1389_1398del (NM_020732.3); c.1638_1647del, p.Ala547fs (NM_001371656.1, NM_001374820.1, NM_017519.3); c.1389_1398del10 (NM_020732.3); short protein forms A547fs.
Identifiers: ClinVar variation 931777 (VCV000931777.11), dbSNP rs1131691339, ClinGen allele CA1139659907.

ClinVar aggregate classification (germline): Pathogenic. Review status: criteria provided, multiple submitters, no conflicts (2 of 4 stars). 6 submissions from 6 submitters: Pathogenic (6). Last evaluated 2026-01-08.

Conditions:
Inborn genetic diseases. Identifiers: MedGen C0950123, MeSH D030342.
ARID1B-related BAFopathy.
Coffin-Siris syndrome 1 (CSS1). Also called: Mental retardation, autosomal dominant 12; ARID1B-Related Coffin-Siris Syndrome. Identifiers: Orphanet 1465, MedGen C3281201, MONDO:0007617, OMIM 135900. Disease mechanism: gain of function.

Submissions (6):

Labcorp Genetics (formerly Invitae), Labcorp
Classification: Pathogenic. Last evaluated: 2026-01-08. Review status: criteria provided, single submitter. Criteria: Invitae Variant Classification Sherloc (09022015). Collection method: clinical testing. Allele origin: germline.
Comment: This sequence change creates a premature translational stop signal (p.Ala464Serfs*35) in the ARID1B gene. It is expected to result in an absent or disrupted protein product. Loss-of-function variants in ARID1B are known to be pathogenic (PMID: 25674384, 30349098). The frequency data for this variant in the population databases is considered unreliable, as metrics indicate insufficient coverage at this position in the gnomAD database. This premature translational stop signal has been observed in individual(s) with Coffin-Siris syndrome (PMID: 23815551, 30349098). ClinVar contains an entry for this variant (Variation ID: 931777). For these reasons, this variant has been classified as Pathogenic.

GeneDx
Classification: Pathogenic. Last evaluated: 2023-05-16. Review status: criteria provided, single submitter. Criteria: GeneDx Variant Classification Process June 2021. Collection method: clinical testing. Allele origin: germline. Affected: yes.
Comment: Frameshift variant predicted to result in protein truncation or nonsense mediated decay in a gene for which loss-of-function is a known mechanism of disease; Not observed in large population cohorts (gnomAD); This variant is associated with the following publications: (PMID: 23815551, 30349098)

Genome-Nilou Lab
Classification: Pathogenic for Coffin-Siris syndrome 1. Last evaluated: 2021-07-15. Review status: criteria provided, single submitter. Criteria: ACMG Guidelines, 2015. Collection method: clinical testing. Allele origin: germline. Affected: no.

Baylor Genetics
Classification: Pathogenic for ARID1B-related BAFopathy. Last evaluated: 2021-06-10. Review status: criteria provided, single submitter. Criteria: ACMG Guidelines, 2015. Collection method: clinical testing. Allele origin: de novo. Affected: yes.

Centre for Mendelian Genomics, University Medical Centre Ljubljana
Classification: Pathogenic for Coffin-Siris syndrome 1. Last evaluated: 2019-10-22. Review status: criteria provided, single submitter. Criteria: ACMG Guidelines, 2015. Collection method: clinical testing. Allele origin: unknown. Affected: yes.
Comment: This variant was classified as: Pathogenic. The following ACMG criteria were applied in classifying this variant: PVS1,PM2,PP4.

Ambry Genetics
Classification: Pathogenic for Inborn genetic diseases. Last evaluated: 2017-11-28. Review status: criteria provided, single submitter. Criteria: Ambry exome assertion method (8-5-2015). Collection method: clinical testing. Allele origin: germline. Affected: yes. Observed: 1 variant allele.

Literature cited by the submitters: PubMed 25674384 (cited by Labcorp Genetics (formerly Invitae), Labcorp); PubMed 30349098 (cited by Labcorp Genetics (formerly Invitae), Labcorp); PubMed 23815551 (cited by Labcorp Genetics (formerly Invitae), Labcorp and Ambry Genetics).